The following is an entry in ClinVar:

ClinVar aggregate classification (germline): Likely benign. Review status: criteria provided, single submitter (1 of 4 stars). 2 submissions from 2 submitters: Likely benign (1). 1 of the submissions does not count toward it. Last evaluated 2024-07-16.

Conditions:
CDC5L-related disorder. Also called: CDC5L-related condition.

Allele frequency attached by ClinVar (database versions not stated): gnomAD exomes 0.00035; ExAC 0.00117; gnomAD 0.00355; ESP Exome Variant Server 0.00384; 1000 Genomes Project 30x 0.00390; 1000 Genomes Project 0.00399; TOPMed 0.00403.
gnomAD v4.1: 1,068 of 1,614,072 alleles (0.066%); highest among the groups gnomAD compares: African/African-American, 1.3%; 5 homozygotes.

Submissions (2):

Blueprint Genetics
Classification: Likely benign. Last evaluated: 2024-07-16. Review status: criteria provided, single submitter. Criteria: ACMG Guidelines, 2015. Collection method: clinical testing. Allele origin: germline.

PreventionGenetics, part of Exact Sciences
Classification: Benign for CDC5L-related condition. Last evaluated: 2019-09-19. Review status: no assertion criteria provided. Collection method: clinical testing. Allele origin: germline. Not counted in ClinVar's aggregate classification.
Comment: This variant is classified as benign based on ACMG/AMP sequence variant interpretation guidelines (Richards et al. 2015 PMID: 25741868, with internal and published modifications).

NM_001253.4(CDC5L):c.2160G>C (p.Leu720Phe)

Gene: CDC5L (cell division cycle 5 like; plus strand). Cytogenetic location: 6p21.1.
Variant type: single nucleotide variant.
Coding change: c.2160G>C on transcript NM_001253.4 (MANE Select); coding-DNA position 2160, G replaced by C.
Protein change: p.Leu720Phe; replaces leucine 720 with phenylalanine.
Molecular consequence: missense variant.
Genome position (GRCh38, 1-based): chr6:44,445,723, G>C. VCF-style: chr6-44445723-G-C. GRCh37 (hg19) VCF-style: chr6-44413460-G-C.
Other names: short protein forms L720F.
Identifiers: ClinVar variation 3044987 (VCV003044987.3), dbSNP rs11572048, ClinGen allele CA3835634.
Genomic context (GRCh38, chr6:44,445,723, plus strand): 5'-GGGTCACATGACGACAGAAGCCAAGAGGGCTGCAAAGATGGAAAAGAAGATGAAAATTTT[G>C]CTTGGGGGTTACCAGTCTCGTGCTATGGGGCTCATGAAACAGTTGAATGACTTATGGGAC-3'
Protein context (NP_001244.1, residues 710-730): AAKMEKKMKI[Leu720Phe]LGGYQSRAMG